The following is an entry in ClinVar:

ClinVar aggregate classification (germline): Uncertain significance (1 of 4 stars; one submission).

Conditions:
Pseudohypoaldosteronism type 2C (PHA2C). Also called: Pseudohypoaldosteronism Type IIC. Identifiers: Orphanet 757, Orphanet 88940, MedGen C1840391, MONDO:0013778, OMIM 614492.
Neuropathy, hereditary sensory and autonomic, type 2A (HSAN2A). Also called: MORVAN DISEASE; NEUROPATHY, CONGENITAL SENSORY; NEUROPATHY, HEREDITARY SENSORY RADICULAR, AUTOSOMAL RECESSIVE; NEUROPATHY, HEREDITARY SENSORY, TYPE IIA; NEUROPATHY, PROGRESSIVE SENSORY, OF CHILDREN; WNK1-Related HSAN2 (HSAN2A). Identifiers: Orphanet 970, MedGen C2752089, MONDO:0024309, OMIM 201300.

Allele frequency attached by ClinVar (database versions not stated): gnomAD exomes below 0.00001; gnomAD 0.00001; TOPMed 0.00001.
gnomAD v4.1: 3 of 1,614,040 alleles (0.00019%); highest among the groups gnomAD compares: Admixed American, 0.005%; no homozygotes.

Submission:

Labcorp Genetics (formerly Invitae), Labcorp
Classification: Uncertain significance for Neuropathy, hereditary sensory and autonomic, type 2A; Pseudohypoaldosteronism type 2C. Last evaluated: 2024-04-03. Review status: criteria provided, single submitter. Criteria: Invitae Variant Classification Sherloc (09022015). Collection method: clinical testing. Allele origin: germline.
Comment: This sequence change replaces serine, which is neutral and polar, with phenylalanine, which is neutral and non-polar, at codon 2610 of the WNK1 protein (p.Ser2610Phe). This variant is not present in population databases (gnomAD no frequency). This variant has not been reported in the literature in individuals affected with WNK1-related conditions. ClinVar contains an entry for this variant (Variation ID: 844265). Advanced modeling of protein sequence and biophysical properties (such as structural, functional, and spatial information, amino acid conservation, physicochemical variation, residue mobility, and thermodynamic stability) performed at Invitae indicates that this missense variant is not expected to disrupt WNK1 protein function with a negative predictive value of 95%. In summary, the available evidence is currently insufficient to determine the role of this variant in disease. Therefore, it has been classified as a Variant of Uncertain Significance.

NM_018979.4(WNK1):c.7073C>T (p.Ser2358Phe)

Gene: WNK1 (WNK lysine deficient protein kinase 1; plus strand). Cytogenetic location: 12p13.33.
Variant type: single nucleotide variant.
Coding change: c.7073C>T on transcript NM_018979.4 (MANE Select); coding-DNA position 7073, C replaced by T.
Protein change: p.Ser2358Phe; replaces serine 2358 with phenylalanine.
Molecular consequence: missense variant.
Genome position (GRCh38, 1-based): chr12:908,716, C>T. VCF-style: chr12-908716-C-T. GRCh37 (hg19) VCF-style: chr12-1017882-C-T.
Other names: c.7853C>T, p.Ser2618Phe (NM_001184985.2); c.6329C>T, p.Ser2110Phe (NM_014823.3); c.7829C>T, p.Ser2610Phe (NM_213655.5); short protein forms S2358F, S2618F, S2110F, S2610F.
Identifiers: ClinVar variation 844265 (VCV000844265.9), dbSNP rs1236255708, ClinGen allele CA383341374.